The following is an entry in ClinVar:

ClinVar aggregate classification (germline): Uncertain significance (1 of 4 stars; one submission).

Conditions:
Fanconi anemia (FA). Also called: Fanconi's anemia. Identifiers: Orphanet 84, MedGen C0015625, MeSH D005199, MONDO:0019391.

Submission:

Labcorp Genetics (formerly Invitae), Labcorp
Classification: Uncertain significance for Fanconi anemia. Last evaluated: 2023-05-26. Review status: criteria provided, single submitter. Criteria: Invitae Variant Classification Sherloc (09022015). Collection method: clinical testing. Allele origin: germline.
Comment: In summary, the available evidence is currently insufficient to determine the role of this variant in disease. Therefore, it has been classified as a Variant of Uncertain Significance. Variants that disrupt the consensus splice site are a relatively common cause of aberrant splicing (PMID: 17576681, 9536098). Algorithms developed to predict the effect of sequence changes on RNA splicing suggest that this variant is not likely to affect RNA splicing. This variant has not been reported in the literature in individuals affected with FANCD2-related conditions. This variant is not present in population databases (gnomAD no frequency). This sequence change falls in intron 5 of the FANCD2 gene. It does not directly change the encoded amino acid sequence of the FANCD2 protein. It affects a nucleotide within the consensus splice site.

Literature cited by the submitters: PubMed 17576681; PubMed 9536098.

NM_001018115.3(FANCD2):c.377+6G>A

Genes: FANCD2 (FA complementation group D2; plus strand), LOC107303338 (3p25 FANCD2 Alu-mediated recombination region; plus strand). Cytogenetic location: 3p25.3.
Variant type: single nucleotide variant.
Coding change: c.377+6G>A on transcript NM_001018115.3 (MANE Select); 6 bases into the intron after coding-DNA position 377, G replaced by A.
Molecular consequence: intron variant.
Genome position (GRCh38, 1-based): chr3:10,034,804, G>A. VCF-style: chr3-10034804-G-A. GRCh37 (hg19) VCF-style: chr3-10076488-G-A.
Other names: c.377+6G>A (NM_001319984.2, NM_001374253.1, NM_033084.6 and 2 more transcripts).
Identifiers: ClinVar variation 2728382 (VCV002728382.3), dbSNP rs2470719817, ClinGen allele CA2664386268.